The following is an entry in ClinVar:

NM_000152.5(GAA):c.2319C>T (p.Tyr773=)

Gene: GAA (alpha glucosidase; plus strand). Cytogenetic location: 17q25.3.
Variant type: single nucleotide variant.
Coding change: c.2319C>T on transcript NM_000152.5 (MANE Select); coding-DNA position 2319, C replaced by T.
Protein change: p.Tyr773=; no amino-acid change (tyrosine 773 retained).
Molecular consequence: synonymous variant.
Genome position (GRCh38, 1-based): chr17:80,117,097, C>T. VCF-style: chr17-80117097-C-T. GRCh37 (hg19) VCF-style: chr17-78090896-C-T.
Other names: c.2319C>T (LRG_673t1); c.2319C>T, p.Tyr773= (NM_001079803.3, NM_001079804.3).
Identifiers: ClinVar variation 325792 (VCV000325792.44), dbSNP rs377402848, ClinGen allele CA8815685.
Genomic context (GRCh38, chr17:80,117,097, plus strand): 5'-CCCAGTGCTCCAGGCCGGGAAGGCCGAAGTGACTGGCTACTTCCCCTTGGGCACATGGTA[C>T]GACCTGCAGACGGTGAGTCTGGGGACCCTAAGCCCTGGGGAGACGGGAGACCAGAGCAGC-3'
Protein context (NP_000143.2, residues 763-783): VTGYFPLGTW[Tyr773=]DLQTVPVEAL

ClinVar aggregate classification (germline): Conflicting classifications of pathogenicity. Review status: criteria provided, conflicting classifications (1 of 4 stars). 8 submissions from 8 submitters: Uncertain significance (1); Likely benign (6). 1 of the submissions does not count toward it. Last evaluated 2026-01-28.

Conditions:
Glycogen storage disease, type II (IOPD). Also called: Pompe Disease; CARDIOMEGALIA GLYCOGENICA DIFFUSA; Glucosidase acid-1,4-alpha deficiency; POMPE DISEASE, INFANTILE-ONSET; GLYCOGEN STORAGE DISEASE II, INFANTILE-ONSET; ACID ALPHA-GLUCOSIDASE DEFICIENCY, INFANTILE-ONSET. Identifiers: Orphanet 365, MedGen C0017921, MONDO:0009290, OMIM 232300.
Cardiovascular phenotype. Identifiers: MedGen CN230736.

Allele frequency attached by ClinVar (database versions not stated): TOPMed 0.00005; gnomAD exomes 0.00006 and 0.00010; ExAC 0.00008; ESP Exome Variant Server 0.00008; gnomAD 0.00009 and 0.00010.
gnomAD v4.1: 162 of 1,612,740 alleles (0.01%); highest among the groups gnomAD compares: Non-Finnish European, 0.013%; no homozygotes.

Submissions (8):

Labcorp Genetics (formerly Invitae), Labcorp
Classification: Likely benign for Glycogen storage disease, type II. Last evaluated: 2026-01-28. Review status: criteria provided, single submitter. Criteria: Invitae Variant Classification Sherloc (09022015). Collection method: clinical testing. Allele origin: germline.

Blueprint Genetics
Classification: Likely benign. Last evaluated: 2024-11-14. Review status: criteria provided, single submitter. Criteria: ACMG Guidelines, 2015. Collection method: clinical testing. Allele origin: germline.

CeGaT Center for Human Genetics Tuebingen
Classification: Likely benign. Last evaluated: 2024-04-01. Review status: criteria provided, single submitter. Criteria: CeGaT Center For Human Genetics Tuebingen Variant Classification Criteria Version 2. Collection method: clinical testing. Allele origin: germline. Affected: yes. Observed: 1 variant allele.
Comment: GAA: BP4, BP7

Genome-Nilou Lab
Classification: Likely benign for Glycogen storage disease, type II. Last evaluated: 2021-07-22. Review status: criteria provided, single submitter. Criteria: ACMG Guidelines, 2015. Collection method: clinical testing. Allele origin: germline. Affected: no.

Ambry Genetics
Classification: Likely benign for Cardiovascular phenotype. Last evaluated: 2020-01-10. Review status: criteria provided, single submitter. Criteria: Ambry Variant Classification Scheme 2023. Collection method: clinical testing. Allele origin: germline.

GeneDx
Classification: Likely benign. Last evaluated: 2019-09-23. Review status: criteria provided, single submitter. Criteria: GeneDx Variant Classification Process June 2021. Collection method: clinical testing. Allele origin: germline. Affected: yes.

Illumina Laboratory Services, Illumina
Classification: Uncertain significance for Glycogen storage disease, type II. Last evaluated: 2018-01-13. Review status: criteria provided, single submitter. Criteria: ICSL Variant Classification Criteria 13 December 2019. Collection method: clinical testing. Allele origin: germline.

Natera, Inc.
Classification: Likely benign for Glycogen storage disease type II. Last evaluated: 2020-05-29. Review status: no assertion criteria provided. Collection method: clinical testing. Allele origin: germline. Not counted in ClinVar's aggregate classification.